The following is an entry in ClinVar:

ClinVar aggregate classification (germline): Benign (1 of 4 stars; one submission).

Conditions:
Familial cancer of breast. Also called: BREAST CANCER, FAMILIAL; Hereditary breast cancer; hereditary breast carcinoma. Identifiers: Orphanet 227535, MedGen C0346153, MONDO:0016419, OMIM 114480. Disease mechanism: loss of function.

Submission:

Genomic Medicine Laboratory, Hospital de Clinicas de Porto Alegre
Classification: Benign for Familial cancer of breast. Last evaluated: 2026-08-07. Review status: criteria provided, single submitter. Criteria: ACGS UK Practice Guidelines For Variant Classification V12 2024. Collection method: research. Allele origin: germline. Affected: yes. Observed: 1 variant allele.
Comment: BA1: Allele frequency is above 5%

NM_199420.4(POLQ):c.6405+55GT[14]

Gene: POLQ (DNA polymerase theta; minus strand). Cytogenetic location: 3q13.33.
Variant type: Microsatellite.
Coding change: c.6405+55GT[14] on transcript NM_199420.4 (MANE Select); 14 copies in a row of the 2-base unit GT starting at c.6405+55; the reference has 15 copies in a row; one copy, 2 bases deleted.
Molecular consequence: intron variant.
Genome position (GRCh38, 1-based): chr3:121,476,456-121,476,457, AC deleted on the plus strand (GT on the coding strand, the reverse complement: POLQ is on the minus strand); deleting any 2 consecutive bases within chr3:121,476,456-121,476,486 gives the same sequence; the position shown is the placement nearest the transcript's 3' end. VCF-style (leftmost placement, unchanged base first): chr3-121476455-TAC-T. GRCh37 (hg19) VCF-style: chr3-121195302-TAC-T.
Other names: c.6405+83_6405+84del (NM_199420.4).
Identifiers: ClinVar variation 4888222 (VCV004888222.1), dbSNP rs71678533.